The following is an entry in ClinVar:

ClinVar aggregate classification (germline): Uncertain significance (1 of 4 stars; one submission).

Submission:

Labcorp Genetics (formerly Invitae), Labcorp
Classification: Uncertain significance. Last evaluated: 2025-10-08. Review status: criteria provided, single submitter. Criteria: Invitae Variant Classification Sherloc (09022015). Collection method: clinical testing. Allele origin: germline.
Comment: This sequence change replaces aspartic acid, which is acidic and polar, with glycine, which is neutral and non-polar, at codon 1245 of the APC2 protein (p.Asp1245Gly). This variant is not present in population databases (gnomAD no frequency). This variant has not been reported in the literature in individuals affected with APC2-related conditions. Invitae Evidence Modeling of protein sequence and biophysical properties (such as structural, functional, and spatial information, amino acid conservation, physicochemical variation, residue mobility, and thermodynamic stability) indicates that this missense variant is not expected to disrupt APC2 protein function with a negative predictive value of 80%. In summary, the available evidence is currently insufficient to determine the role of this variant in disease. Therefore, it has been classified as a Variant of Uncertain Significance.

NM_005883.3(APC2):c.3734A>G (p.Asp1245Gly)

Gene: APC2 (APC regulator of Wnt signaling pathway 2; plus strand). Cytogenetic location: 19p13.3.
Variant type: single nucleotide variant.
Coding change: c.3734A>G on transcript NM_005883.3 (MANE Select); coding-DNA position 3734, A replaced by G.
Protein change: p.Asp1245Gly; replaces aspartic acid 1245 with glycine.
Molecular consequence: missense variant.
Genome position (GRCh38, 1-based): chr19:1,467,035, A>G. VCF-style: chr19-1467035-A-G. GRCh37 (hg19) VCF-style: chr19-1467034-A-G.
Other names: c.3731A>G, p.Asp1244Gly (NM_001351273.1); short protein forms D1245G, D1244G.
Identifiers: ClinVar variation 4743132 (VCV004743132.1).